The following is an entry in ClinVar:

NM_172245.4(CSF2RA):c.350_353del (p.Glu117fs)

Gene: CSF2RA (colony stimulating factor 2 receptor subunit alpha; plus strand). Cytogenetic location: Xp22.33.
Variant type: Microsatellite.
Coding change: c.350_353del on transcript NM_172245.4 (MANE Select); coding-DNA positions 350 to 353, 4 bases deleted (AGGG; older notation c.350_353delAGGG).
Protein change: p.Glu117fs; shifts the reading frame from glutamic acid 117.
Molecular consequence: frameshift variant. On other transcripts: 5 prime UTR variant (1), non-coding transcript variant (1).
Genome position (GRCh38, 1-based): chrX:1,288,765-1,288,768, AGGG deleted; deleting any 4 consecutive bases within chrX:1,288,761-1,288,768 gives the same sequence; the c. name uses the placement nearest the transcript's 3' end. VCF-style (leftmost placement, unchanged base first): chrX-1288760-AAGGG-A. GRCh37 (hg19) VCF-style: chrX-1407653-AAGGG-A.
Other names: c.350_353del, p.Glu117fs (NM_001161529.2, NM_001161530.2, NM_001161531.2 and 20 more transcripts); c.-54AGGG[1] (NM_001161532.2); c.346_349AGGG[1], p.Glu117Valfs (NM_001379157.1); short protein forms E117fs.
Identifiers: ClinVar variation 2088110 (VCV002088110.4), dbSNP rs2521947117, ClinGen allele CA2580615357.

ClinVar aggregate classification (germline): Pathogenic (1 of 4 stars; one submission).

Conditions:
Surfactant metabolism dysfunction, pulmonary, 4 (SMDP4). Also called: PAP DUE TO CSF2RA DEFICIENCY; PULMONARY ALVEOLAR PROTEINOSIS, CONGENITAL, 4; CSF2RA DEFICIENCY. Identifiers: Orphanet 264675, MedGen C2677877, MONDO:0010424, OMIM 300770.

Submission:

Labcorp Genetics (formerly Invitae), Labcorp
Classification: Pathogenic for Surfactant metabolism dysfunction, pulmonary, 4. Last evaluated: 2022-01-19. Review status: criteria provided, single submitter. Criteria: Invitae Variant Classification Sherloc (09022015). Collection method: clinical testing. Allele origin: germline.
Comment: For these reasons, this variant has been classified as Pathogenic. Algorithms developed to predict the effect of sequence changes on RNA splicing suggest that this variant may create or strengthen a splice site. This variant has not been reported in the literature in individuals affected with CSF2RA-related conditions. This variant is not present in population databases (gnomAD no frequency). This sequence change creates a premature translational stop signal (p.Glu117Valfs*16) in the CSF2RA gene. It is expected to result in an absent or disrupted protein product. Loss-of-function variants in CSF2RA are known to be pathogenic (PMID: 20622029, 25425184).

Literature cited by the submitters: PubMed 20622029; PubMed 25425184.